The following is an entry in ClinVar:

NR_033294.2(SNORD118):n.129G>C

Genes: SNORD118 (small nucleolar RNA, C/D box 118; minus strand), TMEM107 (transmembrane protein 107; minus strand). Cytogenetic location: 17p13.1.
Variant type: single nucleotide variant.
Molecular consequence: non-coding transcript variant (on NR_033294.2). On other transcripts: 3 prime UTR variant (5).
Genome position: GRCh38 VCF-style: chr17-8173460-C-G. GRCh37 (hg19) VCF-style: chr17-8076778-C-G.
Other names: c.*743G>C (NM_001351278.2, NM_001351279.2, NM_001351280.2 and 2 more transcripts).
Identifiers: ClinVar variation 1900385 (VCV001900385.5), dbSNP rs9894790, ClinGen allele CA8370573.

ClinVar aggregate classification (germline): Uncertain significance (1 of 4 stars; one submission).

Submission:

Labcorp Genetics (formerly Invitae), Labcorp
Classification: Uncertain significance. Last evaluated: 2024-12-02. Review status: criteria provided, single submitter. Criteria: Invitae Variant Classification Sherloc (09022015). Collection method: clinical testing. Allele origin: germline.
Comment: This variant occurs in the SNORD118 gene, which encodes an RNA molecule that does not result in a protein product. This variant is present in population databases (rs9894790, gnomAD 0.01%). This variant has not been reported in the literature in individuals affected with SNORD118-related conditions. ClinVar contains an entry for this variant (Variation ID: 1900385). Experimental studies and prediction algorithms are not available or were not evaluated, and the functional significance of this variant is currently unknown. In summary, the available evidence is currently insufficient to determine the role of this variant in disease. Therefore, it has been classified as a Variant of Uncertain Significance.